The following is an entry in ClinVar:

NM_017654.4(SAMD9):c.2429T>C (p.Leu810Pro)

Gene: SAMD9 (sterile alpha motif domain containing 9; minus strand). Cytogenetic location: 7q21.2.
Variant type: single nucleotide variant.
Coding change: c.2429T>C on transcript NM_017654.4 (MANE Select); coding-DNA position 2429, T replaced by C.
Protein change: p.Leu810Pro; replaces leucine 810 with proline.
Molecular consequence: missense variant.
Genome position (GRCh38, 1-based): chr7:93,103,669, A>G on the plus strand (T>C on the coding strand, the complement: SAMD9 is on the minus strand). VCF-style: chr7-93103669-A-G. GRCh37 (hg19) VCF-style: chr7-92732982-A-G.
Other names: c.2429T>C, p.Leu810Pro (NM_001193307.2); short protein forms L810P.
Identifiers: ClinVar variation 4863801 (VCV004863801.1).
Genomic context (GRCh38, chr7:93,103,669, plus strand): 5'-ACCAGAGGTTTTTCATATCGAATGTACTTTTTAGCTATAGCTGTTTGAATAGAGTACTGC[A>G]GAAGATAGACATTATCTTGTTCTTCAAAATCATCAACAAGGAGTAGTACAGGTACGTATT-3'
Protein context (NP_060124.2, residues 800-820): DFEEQDNVYL[Leu810Pro]QYSIQTAIAK

ClinVar aggregate classification (germline): Uncertain significance (1 of 4 stars; one submission).

Conditions:
Inborn genetic diseases. Identifiers: MedGen C0950123, MeSH D030342.

Submission:

Ambry Genetics
Classification: Uncertain significance for Inborn genetic diseases. Last evaluated: 2026-04-06. Review status: criteria provided, single submitter. Criteria: Ambry Variant Classification Scheme 2023. Collection method: clinical testing. Allele origin: germline.
Comment: The p.L810P variant (also known as c.2429T>C), located in coding exon 1 of the SAMD9 gene, results from a T to C substitution at nucleotide position 2429. The leucine at codon 810 is replaced by proline, an amino acid with similar properties. This amino acid position is conserved. In addition, this alteration is predicted to be deleterious by in silico analysis. Based on the available evidence, the clinical significance of this variant remains unclear.